The following is an entry in ClinVar:

ClinVar aggregate classification (germline): Likely benign. Review status: criteria provided, multiple submitters, no conflicts (2 of 4 stars). 3 submissions from 3 submitters: Likely benign (2). 1 of the submissions does not count toward it. Last evaluated 2024-12-01.

Conditions:
ADAMTS3-related disorder. Also called: ADAMTS3-related condition.

Allele frequency attached by ClinVar (database versions not stated): 1000 Genomes Project 30x 0.00109; 1000 Genomes Project 0.00140; ExAC 0.00186; ESP Exome Variant Server 0.00200; gnomAD 0.00221; TOPMed 0.00229; gnomAD exomes 0.00250.
gnomAD v4.1: 3,984 of 1,613,928 alleles (0.25%); highest among the groups gnomAD compares: South Asian, 0.39%; 9 homozygotes.

Submissions (3):

CeGaT Center for Human Genetics Tuebingen
Classification: Likely benign. Last evaluated: 2024-12-01. Review status: criteria provided, single submitter. Criteria: CeGaT Center For Human Genetics Tuebingen Variant Classification Criteria Version 2. Collection method: clinical testing. Allele origin: germline. Affected: yes. Observed: 5 variant alleles.
Comment: ADAMTS3: BP4, BP7

Blueprint Genetics
Classification: Likely benign. Last evaluated: 2024-11-25. Review status: criteria provided, single submitter. Criteria: ACMG Guidelines, 2015. Collection method: clinical testing. Allele origin: germline.

PreventionGenetics, part of Exact Sciences
Classification: Likely benign for ADAMTS3-related condition. Last evaluated: 2019-03-04. Review status: no assertion criteria provided. Collection method: clinical testing. Allele origin: germline. Not counted in ClinVar's aggregate classification.
Comment: This variant is classified as likely benign based on ACMG/AMP sequence variant interpretation guidelines (Richards et al. 2015 PMID: 25741868, with internal and published modifications).

NM_014243.3(ADAMTS3):c.1347T>C (p.Tyr449=)

Gene: ADAMTS3 (ADAM metallopeptidase with thrombospondin type 1 motif 3; minus strand). Cytogenetic location: 4q13.3.
Variant type: single nucleotide variant.
Coding change: c.1347T>C on transcript NM_014243.3 (MANE Select); coding-DNA position 1347, T replaced by C.
Protein change: p.Tyr449=; no amino-acid change (tyrosine 449 retained).
Molecular consequence: synonymous variant.
Genome position (GRCh38, 1-based): chr4:72,319,337, A>G on the plus strand (T>C on the coding strand, the complement: ADAMTS3 is on the minus strand). VCF-style: chr4-72319337-A-G. GRCh37 (hg19) VCF-style: chr4-73185054-A-G.
Other names: c.1347T>C (NM_014243.2).
Identifiers: ClinVar variation 1711590 (VCV001711590.32), dbSNP rs35584754, ClinGen allele CA2956994.